The following is an entry in ClinVar:

ClinVar aggregate classification (germline): Pathogenic (1 of 4 stars; one submission).

Conditions:
Hereditary cancer-predisposing syndrome. Also called: Tumor predisposition; Neoplastic Syndromes, Hereditary; Hereditary Cancer Syndrome; Hereditary neoplastic syndrome. Identifiers: Orphanet 140162, MedGen C0027672, MeSH D009386, MONDO:0015356.

Submission:

Ambry Genetics
Classification: Pathogenic for Hereditary cancer-predisposing syndrome. Last evaluated: 2025-08-07. Review status: criteria provided, single submitter. Criteria: Ambry Variant Classification Scheme 2023. Collection method: clinical testing. Allele origin: germline.
Comment: The c.312_316dupTAAAT pathogenic mutation, located in coding exon 2 of the FLCN gene, results from a duplication of TAAAT at nucleotide position 312, causing a translational frameshift with a predicted alternate stop codon (p.Y106Lfs*26). This variant is considered to be rare based on population cohorts in the Genome Aggregation Database (gnomAD). This alteration is expected to result in loss of function by premature protein truncation or nonsense-mediated mRNA decay. As such, this alteration is interpreted as a disease-causing mutation.

NM_144997.7(FLCN):c.312_316dup (p.Tyr106fs)

Gene: FLCN (folliculin; minus strand). Cytogenetic location: 17p11.2.
Variant type: Duplication.
Coding change: c.312_316dup on transcript NM_144997.7 (MANE Select); coding-DNA positions 312 to 316, 5 bases duplicated (TAAAT; older notation c.312_316dupTAAAT).
Protein change: p.Tyr106fs; shifts the reading frame from tyrosine 106.
Molecular consequence: frameshift variant.
Genome position (GRCh38, 1-based): chr17:17,226,256-17,226,260, ATTTA duplicated on the plus strand (TAAAT on the coding strand, the reverse complement: FLCN is on the minus strand); duplicating any 5 consecutive bases within chr17:17,226,256-17,226,262 gives the same sequence; the c. name uses the placement nearest the transcript's 3' end. VCF-style (leftmost placement, unchanged base first): chr17-17226255-T-TATTTA. GRCh37 (hg19) VCF-style: chr17-17129569-T-TATTTA.
Other names: c.312_316dup, p.Tyr106fs (NM_001353229.2, NM_001353230.2, NM_001353231.2 and 1 more transcripts); c.312_316dupTAAAT (NM_144997.5); short protein forms Y106fs.
Identifiers: ClinVar variation 1727855 (VCV001727855.3), dbSNP rs2544281896, ClinGen allele CA2580092658.